The following is an entry in ClinVar:

NM_003923.3(FOXH1):c.403G>A (p.Gly135Ser)

Gene: FOXH1 (forkhead box H1; minus strand). Cytogenetic location: 8q24.3.
Variant type: single nucleotide variant.
Coding change: c.403G>A on transcript NM_003923.3 (MANE Select); coding-DNA position 403, G replaced by A.
Protein change: p.Gly135Ser; replaces glycine 135 with serine.
Molecular consequence: missense variant.
Genome position (GRCh38, 1-based): chr8:144,474,933, C>T on the plus strand (G>A on the coding strand, the complement: FOXH1 is on the minus strand). VCF-style: chr8-144474933-C-T. GRCh37 (hg19) VCF-style: chr8-145700316-C-T.
Other names: c.403G>A (NM_003923.2); short protein forms G135S.
Identifiers: ClinVar variation 2858392 (VCV002858392.4), dbSNP rs746400119, ClinGen allele CA4945557.

ClinVar aggregate classification (germline): Uncertain significance. Review status: criteria provided, multiple submitters, no conflicts (2 of 4 stars). 2 submissions from 2 submitters: Uncertain significance (2). Last evaluated 2025-10-13.

Conditions:
Holoprosencephaly sequence (HPE). Also called: Holoprosencephaly. Identifiers: Orphanet 2162, MedGen C0079541, MONDO:0016296, HP:0001360.
Inborn genetic diseases. Identifiers: MedGen C0950123, MeSH D030342.

Allele frequency attached by ClinVar (database versions not stated): gnomAD exomes 0.00005; ExAC 0.00007; TOPMed 0.00008; gnomAD 0.00008.
gnomAD v4.1: 84 of 1,608,352 alleles (0.0052%); highest among the groups gnomAD compares: Non-Finnish European, 0.0065%; 1 homozygote.

Submissions (2):

Labcorp Genetics (formerly Invitae), Labcorp
Classification: Uncertain significance for Holoprosencephaly sequence. Last evaluated: 2025-10-13. Review status: criteria provided, single submitter. Criteria: Invitae Variant Classification Sherloc (09022015). Collection method: clinical testing. Allele origin: germline.
Comment: This sequence change replaces glycine, which is neutral and non-polar, with serine, which is neutral and polar, at codon 135 of the FOXH1 protein (p.Gly135Ser). This variant is present in population databases (rs746400119, gnomAD 0.008%). This variant has not been reported in the literature in individuals affected with FOXH1-related conditions. ClinVar contains an entry for this variant (Variation ID: 2858392). An algorithm developed to predict the effect of missense changes on protein structure and function (PolyPhen-2) suggests that this variant is likely to be tolerated. In summary, the available evidence is currently insufficient to determine the role of this variant in disease. Therefore, it has been classified as a Variant of Uncertain Significance.

Ambry Genetics
Classification: Uncertain significance for Inborn genetic diseases. Last evaluated: 2023-12-27. Review status: criteria provided, single submitter. Criteria: Ambry Variant Classification Scheme 2023. Collection method: clinical testing. Allele origin: germline.